The following is an entry in ClinVar:

ClinVar aggregate classification (germline): Likely pathogenic (1 of 4 stars; one submission).

Conditions:
Polycystic kidney disease 2 (PKD2). Also called: POLYCYSTIC KIDNEY DISEASE 2 WITH OR WITHOUT POLYCYSTIC LIVER DISEASE; Polycystic Kidney Disease 2, Autosomal Dominant; POLYCYSTIC KIDNEY DISEASE, ADULT, TYPE II. Identifiers: MedGen C2751306, MONDO:0013131, OMIM 613095.

Submission:

CGC Genetics, Unilabs
Classification: Likely pathogenic for Polycystic kidney disease 2. Last evaluated: 2025-10-16. Review status: criteria provided, single submitter. Criteria: ACMG Guidelines, 2015. Collection method: clinical testing. Allele origin: germline. Inheritance: Autosomal dominant inheritance. Affected: yes. Observed: 1 variant allele.
Comment: The NM_000297.4:c.1238_1241del p.(Val413Glyfs*38) variant, detected in heterozygosity in exon 5 (of 15) of the PKD2 gene (chr.4), is not reported in the literature, in the gnomAD population database nor in the ClinVar database.This is a frameshift variant that introduces a premature stop codon, which in turn is expected to lead to the creation of a truncated protein and/or a reduction in its expression due to mRNA degradation. Based on currently available information and current classification guidelines, this variant should be classified as likely pathogenic.

NM_000297.4(PKD2):c.1238_1241del (p.Val413fs)

Gene: PKD2 (polycystin 2, transient receptor potential cation channel; plus strand). Cytogenetic location: 4q22.1.
Variant type: Deletion.
Coding change: c.1238_1241del on transcript NM_000297.4 (MANE Select); coding-DNA positions 1238 to 1241, 4 bases deleted (TCTG; older notation c.1238_1241delTCTG).
Protein change: p.Val413fs; shifts the reading frame from valine 413.
Molecular consequence: frameshift variant. On other transcripts: non-coding transcript variant (1), intron variant (1).
Genome position (GRCh38, 1-based): chr4:88,043,376-88,043,379, TCTG deleted; deleting any 4 consecutive bases within chr4:88,043,374-88,043,379 gives the same sequence; the c. name uses the placement nearest the transcript's 3' end. VCF-style (leftmost placement, unchanged base first): chr4-88043373-ATGTC-A. GRCh37 (hg19) VCF-style: chr4-88964525-ATGTC-A.
Other names: c.1095-3266_1095-3263del (NM_001440544.1); short protein forms V413fs.
Identifiers: ClinVar variation 4851579 (VCV004851579.1).